The following is an entry in ClinVar:

ClinVar aggregate classification (germline): Conflicting classifications of pathogenicity. Review status: criteria provided, conflicting classifications (1 of 4 stars). 5 submissions from 5 submitters: Likely pathogenic (1); Uncertain significance (4). Last evaluated 2026-07-14.

Conditions:
Sucrase-isomaltase deficiency (CSID). Also called: Deficiency of isomaltase; Congenital sucrose isomaltose malabsorption; Sucrose isomaltose enzyme deficiency; SI DEFICIENCY. Identifiers: Orphanet 35122, MedGen C1283620, MONDO:0009114, OMIM 222900.

Allele frequency attached by ClinVar (database versions not stated): gnomAD exomes 0.00019; ESP Exome Variant Server 0.00015; TOPMed 0.00008; ExAC 0.00019.
gnomAD v4.1: 176 of 1,608,566 alleles (0.011%); highest among the groups gnomAD compares: Non-Finnish European, 0.012%; no homozygotes.

Submissions (5):

GeneDx
Classification: Likely pathogenic. Last evaluated: 2026-07-14. Review status: criteria provided, single submitter. Criteria: GeneDx Variant Classification Process June 2021. Collection method: clinical testing. Allele origin: germline.
Comment: In silico analysis supports that this missense variant has a deleterious effect on protein structure/function; This variant is associated with the following publications: (PMID: Kastsiukevich2024[article], 38682389, 39971164, 32732636)

Blueprint Genetics
Classification: Uncertain significance. Last evaluated: 2024-09-25. Review status: criteria provided, single submitter. Criteria: ACMG Guidelines, 2015. Collection method: clinical testing. Allele origin: germline.

Labcorp Genetics (formerly Invitae), Labcorp
Classification: Uncertain significance. Last evaluated: 2023-12-21. Review status: criteria provided, single submitter. Criteria: Invitae Variant Classification Sherloc (09022015). Collection method: clinical testing. Allele origin: germline.
Comment: This sequence change replaces glycine, which is neutral and non-polar, with valine, which is neutral and non-polar, at codon 515 of the SI protein (p.Gly515Val). This variant is present in population databases (rs144972103, gnomAD 0.07%). This missense change has been observed in individual(s) with clinical features of sucrase-isomaltase deficiency (PMID: 32732636). ClinVar contains an entry for this variant (Variation ID: 900704). Advanced modeling of protein sequence and biophysical properties (such as structural, functional, and spatial information, amino acid conservation, physicochemical variation, residue mobility, and thermodynamic stability) has been performed at Invitae for this missense variant, however the output from this modeling did not meet the statistical confidence thresholds required to predict the impact of this variant on SI protein function. In summary, the available evidence is currently insufficient to determine the role of this variant in disease. Therefore, it has been classified as a Variant of Uncertain Significance.

Fulgent Genetics
Classification: Uncertain significance for Sucrase-isomaltase deficiency. Last evaluated: 2021-07-19. Review status: criteria provided, single submitter. Criteria: ACMG Guidelines, 2015. Collection method: clinical testing. Allele origin: unknown.

Illumina Laboratory Services, Illumina
Classification: Uncertain significance for Sucrase-isomaltase deficiency. Last evaluated: 2017-04-27. Review status: criteria provided, single submitter. Criteria: ICSL Variant Classification Criteria 13 December 2019. Collection method: clinical testing. Allele origin: germline.

Literature cited by the submitters: PubMed 32732636 (cited by Labcorp Genetics (formerly Invitae), Labcorp).

NM_001041.4(SI):c.1544G>T (p.Gly515Val)

Gene: SI (sucrase-isomaltase; minus strand). Cytogenetic location: 3q26.1.
Variant type: single nucleotide variant.
Coding change: c.1544G>T on transcript NM_001041.4 (MANE Select); coding-DNA position 1544, G replaced by T.
Protein change: p.Gly515Val; replaces glycine 515 with valine.
Molecular consequence: missense variant.
Genome position (GRCh38, 1-based): chr3:165,049,844, C>A on the plus strand (G>T on the coding strand, the complement: SI is on the minus strand). VCF-style: chr3-165049844-C-A. GRCh37 (hg19) VCF-style: chr3-164767632-C-A.
Other names: short protein forms G515V.
Identifiers: ClinVar variation 900704 (VCV000900704.11), dbSNP rs144972103, ClinGen allele CA2691026.
Genomic context (GRCh38, chr3:165,049,844, plus strand): 5'-ATTTTACCAGGAGTAAACGGTGGATAATTCAATTTGTTTACATTACATCCTTTTGTTGAA[C>A]CTTGAATAAAGCTGGAAACTTCATTCATGTCCTGAATGGATACAAAATGAAGAACAGCAG-3'
Protein context (NP_001032.2, residues 505-525): DMNEVSSFIQ[Gly515Val]STKGCNVNKL